The following is an entry in ClinVar:

ClinVar aggregate classification (germline): Conflicting classifications of pathogenicity. Review status: criteria provided, conflicting classifications (1 of 4 stars). 5 submissions from 5 submitters: Uncertain significance (1); Benign (1); Likely benign (2). 1 of the submissions does not count toward it. Last evaluated 2026-01-05.

Conditions:
Inborn genetic diseases. Identifiers: MedGen C0950123, MeSH D030342.
CHD7-related disorder. Also called: CHD7-related condition.
CHARGE syndrome (CHARGE). Also called: Hittner Hirsch Kreh syndrome; CHARGE ASSOCIATION--COLOBOMA, HEART ANOMALY, CHOANAL ATRESIA, RETARDATION, GENITAL AND EAR ANOMALIES; Coloboma, heart anomaly, choanal atresia, retardation, genital and ear anomalies; CHARGE association; Hall-Hittner syndrome. Identifiers: Orphanet 138, MedGen C0265354, MONDO:0008965.

Allele frequency attached by ClinVar (database versions not stated): gnomAD 0.00001; gnomAD exomes 0.00003; ExAC 0.00006.
gnomAD v4.1: 38 of 1,612,724 alleles (0.0024%); highest among the groups gnomAD compares: South Asian, 0.03%; no homozygotes.

Submissions (5):

Labcorp Genetics (formerly Invitae), Labcorp
Classification: Benign for CHARGE syndrome. Last evaluated: 2026-01-05. Review status: criteria provided, single submitter. Criteria: Invitae Variant Classification Sherloc (09022015). Collection method: clinical testing. Allele origin: germline.

CeGaT Center for Human Genetics Tuebingen
Classification: Uncertain significance. Last evaluated: 2023-10-01. Review status: criteria provided, single submitter. Criteria: CeGaT Center For Human Genetics Tuebingen Variant Classification Criteria Version 2. Collection method: clinical testing. Allele origin: germline. Affected: yes. Observed: 1 variant allele.

Ambry Genetics
Classification: Likely benign for Inborn genetic diseases. Last evaluated: 2022-08-16. Review status: criteria provided, single submitter. Criteria: Ambry Variant Classification Scheme 2023. Collection method: clinical testing. Allele origin: germline.

GeneDx
Classification: Likely benign. Last evaluated: 2020-02-11. Review status: criteria provided, single submitter. Criteria: GeneDx Variant Classification Process June 2021. Collection method: clinical testing. Allele origin: germline. Affected: yes.

PreventionGenetics, part of Exact Sciences
Classification: Likely benign for CHD7-related condition. Last evaluated: 2024-08-29. Review status: no assertion criteria provided. Collection method: clinical testing. Allele origin: germline. Not counted in ClinVar's aggregate classification.
Comment: This variant is classified as likely benign based on ACMG/AMP sequence variant interpretation guidelines (Richards et al. 2015 PMID: 25741868, with internal and published modifications).

NM_017780.4(CHD7):c.73G>A (p.Gly25Arg)

Gene: CHD7 (chromodomain helicase DNA binding protein 7; plus strand). Cytogenetic location: 8q12.2.
Variant type: single nucleotide variant.
Coding change: c.73G>A on transcript NM_017780.4 (MANE Select); coding-DNA position 73, G replaced by A.
Protein change: p.Gly25Arg; replaces glycine 25 with arginine.
Molecular consequence: missense variant.
Genome position (GRCh38, 1-based): chr8:60,741,505, G>A. VCF-style: chr8-60741505-G-A. GRCh37 (hg19) VCF-style: chr8-61654064-G-A.
Other names: c.73G>A, p.Gly25Arg (NM_001316690.1); short protein forms G25R.
Identifiers: ClinVar variation 1214840 (VCV001214840.31), dbSNP rs759887905, ClinGen allele CA4759260.